The following is an entry in ClinVar:

ClinVar aggregate classification (germline): Uncertain significance (1 of 4 stars; one submission).

gnomAD v4.1: 3 of 1,614,138 alleles (0.00019%); highest among the groups gnomAD compares: Non-Finnish European, 0.00025%; no homozygotes.

Submission:

Labcorp Genetics (formerly Invitae), Labcorp
Classification: Uncertain significance. Last evaluated: 2022-10-05. Review status: criteria provided, single submitter. Criteria: Invitae Variant Classification Sherloc (09022015). Collection method: clinical testing. Allele origin: germline.
Comment: The frequency data for this variant in the population databases is considered unreliable, as metrics indicate poor data quality at this position in the gnomAD database. In summary, the available evidence is currently insufficient to determine the role of this variant in disease. Therefore, it has been classified as a Variant of Uncertain Significance. Advanced modeling of protein sequence and biophysical properties (such as structural, functional, and spatial information, amino acid conservation, physicochemical variation, residue mobility, and thermodynamic stability) performed at Invitae indicates that this missense variant is not expected to disrupt CSGALNACT1 protein function. This variant has not been reported in the literature in individuals affected with CSGALNACT1-related conditions. This sequence change replaces glutamine, which is neutral and polar, with lysine, which is basic and polar, at codon 489 of the CSGALNACT1 protein (p.Gln489Lys).

NM_001354483.2(CSGALNACT1):c.1465C>A (p.Gln489Lys)

Gene: CSGALNACT1 (chondroitin sulfate N-acetylgalactosaminyltransferase 1; minus strand). Cytogenetic location: 8p21.3.
Variant type: single nucleotide variant.
Coding change: c.1465C>A on transcript NM_001354483.2 (MANE Select); coding-DNA position 1465, C replaced by A.
Protein change: p.Gln489Lys; replaces glutamine 489 with lysine.
Molecular consequence: missense variant. On other transcripts: non-coding transcript variant (7).
Genome position (GRCh38, 1-based): chr8:19,405,914, G>T on the plus strand (C>A on the coding strand, the complement: CSGALNACT1 is on the minus strand). VCF-style: chr8-19405914-G-T. GRCh37 (hg19) VCF-style: chr8-19263425-G-T.
Other names: c.1465C>A, p.Gln489Lys (NM_001130518.2, NM_001354475.2, NM_001354476.2 and 18 more transcripts); short protein forms Q489K.
Identifiers: ClinVar variation 2021387 (VCV002021387.4), dbSNP rs1475561108, ClinGen allele CA370458782.
Genomic context (GRCh38, chr8:19,405,914, plus strand): 5'-TGCCCAGCTGGCCGTGGGATGCCTCGTTCATGGCCTTGGACTGCATGCACATCTTGTACT[G>T]CTCGGGGGTCAGCTCGTCCATGCAGCGCTTCTCATGCCAGAGGTGGAAGAGTCCTCGCAC-3'
Protein context (NP_001341412.1, residues 479-499): KRCMDELTPE[Gln489Lys]YKMCMQSKAM